The following is an entry in ClinVar:

ClinVar aggregate classification (germline): Uncertain significance (1 of 4 stars; one submission).

Conditions:
Fanconi anemia (FA). Also called: Fanconi's anemia. Identifiers: Orphanet 84, MedGen C0015625, MeSH D005199, MONDO:0019391.

gnomAD v4.1: 1 of 1,613,588 alleles (0.000062%); highest among the groups gnomAD compares: East Asian, 0.0022%; no homozygotes.

Submission:

Labcorp Genetics (formerly Invitae), Labcorp
Classification: Uncertain significance for Fanconi anemia. Last evaluated: 2022-10-29. Review status: criteria provided, single submitter. Criteria: Invitae Variant Classification Sherloc (09022015). Collection method: clinical testing. Allele origin: germline.
Comment: In summary, the available evidence is currently insufficient to determine the role of this variant in disease. Therefore, it has been classified as a Variant of Uncertain Significance. Algorithms developed to predict the effect of missense changes on protein structure and function output the following: SIFT: "Tolerated"; PolyPhen-2: "Benign"; Align-GVGD: "Class C0". The leucine amino acid residue is found in multiple mammalian species, which suggests that this missense change does not adversely affect protein function. This variant has not been reported in the literature in individuals affected with SLX4-related conditions. This variant is not present in population databases (gnomAD no frequency). This sequence change replaces valine, which is neutral and non-polar, with leucine, which is neutral and non-polar, at codon 1747 of the SLX4 protein (p.Val1747Leu).

NM_032444.4(SLX4):c.5239G>T (p.Val1747Leu)

Gene: SLX4 (SLX4 structure-specific endonuclease subunit; minus strand). Cytogenetic location: 16p13.3.
Variant type: single nucleotide variant.
Coding change: c.5239G>T on transcript NM_032444.4 (MANE Select); coding-DNA position 5239, G replaced by T.
Protein change: p.Val1747Leu; replaces valine 1747 with leucine.
Molecular consequence: missense variant.
Genome position (GRCh38, 1-based): chr16:3,582,608, C>A on the plus strand (G>T on the coding strand, the complement: SLX4 is on the minus strand). VCF-style: chr16-3582608-C-A. GRCh37 (hg19) VCF-style: chr16-3632609-C-A.
Other names: short protein forms V1747L.
Identifiers: ClinVar variation 2810648 (VCV002810648.3), dbSNP rs201214017, ClinGen allele CA394513901.
Genomic context (GRCh38, chr16:3,582,608, plus strand): 5'-ACAGGGCCGGCTTGGAGCGGATGTAGCACCTCAGCGCCTCGTCTGTGTCCGCCGCCTGCA[C>A]GGCTGCCTGCGAGGCACTGACCTCCCCCTCGCCCTCCTCTTCACCTGCAGACTCAAATGC-3'
Protein context (NP_115820.2, residues 1737-1757): EGEVSASQAA[Val1747Leu]QAADTDEALR